The following is an entry in ClinVar:

ClinVar aggregate classification (germline): Uncertain significance. Review status: criteria provided, multiple submitters, no conflicts (2 of 4 stars). 2 submissions from 2 submitters: Uncertain significance (2). Last evaluated 2025-06-30.

Conditions:
Hypertrophic cardiomyopathy 14. Identifiers: MedGen C2750467, MONDO:0013197, OMIM 613251.

Submissions (2):

Labcorp Genetics (formerly Invitae), Labcorp
Classification: Uncertain significance for Hypertrophic cardiomyopathy 14. Last evaluated: 2025-06-30. Review status: criteria provided, single submitter. Criteria: Invitae Variant Classification Sherloc (09022015). Collection method: clinical testing. Allele origin: germline.
Comment: This sequence change is expected to alter the c-terminus of the MYH6 protein (p.Ala1931Valfs*). While this is not anticipated to result in nonsense mediated decay, it is expected to disrupt the last 9 amino acid(s) of the MYH6 protein and extend the protein by an uncertain number of additional amino acid residues. This variant is not present in population databases (gnomAD no frequency). This variant has not been reported in the literature in individuals affected with MYH6-related conditions. ClinVar contains an entry for this variant (Variation ID: 3383766). Experimental studies and prediction algorithms are not available or were not evaluated, and the functional significance of this variant is currently unknown. In summary, the available evidence is currently insufficient to determine the role of this variant in disease. Therefore, it has been classified as a Variant of Uncertain Significance.

GeneDx
Classification: Uncertain significance. Last evaluated: 2024-05-29. Review status: criteria provided, single submitter. Criteria: GeneDx Variant Classification Process June 2021. Collection method: clinical testing. Allele origin: germline. Affected: yes.
Comment: Not observed at significant frequency in large population cohorts (gnomAD); Frameshift variant predicted to result in abnormal protein length as the last 9 amino acids are replaced with an unknown number of amino acids at the C-terminus, and the stop codon cannot be predicted.; Has not been previously published as pathogenic or benign to our knowledge

NM_002471.4(MYH6):c.5790_5791dup (p.Ala1931fs)

Gene: MYH6 (myosin heavy chain 6; minus strand). Cytogenetic location: 14q11.2.
Variant type: Duplication.
Coding change: c.5790_5791dup on transcript NM_002471.4 (MANE Select); coding-DNA positions 5790 to 5791, 2 bases duplicated (TG; older notation c.5790_5791dupTG).
Protein change: p.Ala1931fs; shifts the reading frame from alanine 1931.
Molecular consequence: frameshift variant.
Genome position (GRCh38, 1-based): chr14:23,382,433-23,382,434, CA duplicated on the plus strand (TG on the coding strand, the reverse complement: MYH6 is on the minus strand); duplicating any 2 consecutive bases within chr14:23,382,433-23,382,435 gives the same sequence; the c. name uses the placement nearest the transcript's 3' end. VCF-style (leftmost placement, unchanged base first): chr14-23382432-G-GCA. GRCh37 (hg19) VCF-style: chr14-23851641-G-GCA.
Other names: c.5790_5791dup (NM_002471.3); short protein forms A1931fs.
Identifiers: ClinVar variation 3383766 (VCV003383766.2).
Genomic context (GRCh38, chr14:23,382,432, plus strand): 5'-TATCAGGGGGCATGCTAATGTGGAAGTGACTAGTGAAGCCCAGGGGAGGGACCCACCTTG[G>GCA]CACCAATGTCACGGCTCTTGGCTCGAAGCTTGTTGACCTGGGACTCAGCGATGTCCGCCC-3'